The following is an entry in ClinVar:

ClinVar aggregate classification (germline): Uncertain significance. Review status: criteria provided, multiple submitters, no conflicts (2 of 4 stars). 2 submissions from 2 submitters: Uncertain significance (2). Last evaluated 2026-04-28.

Conditions:
Neuropathy, hereditary sensory and autonomic, type 2A (HSAN2A). Also called: ACROOSTEOLYSIS, GIACCAI TYPE; ACROOSTEOLYSIS, NEUROGENIC; HSAN IIA; WNK1-Related HSAN2 (HSAN2A); MORVAN DISEASE; NEUROPATHY, CONGENITAL SENSORY. Identifiers: Orphanet 970, MedGen C2752089, MONDO:0024309, OMIM 201300.
Generalized epilepsy with febrile seizures plus, type 7 (GEFSP7). Also called: GEFS+, TYPE 7. Identifiers: Orphanet 36387, MedGen C2751778, MONDO:0013470, OMIM 613863.
SCN9A-related disorder. Also called: SCN9A-related disorders; SCN9A-related condition.

gnomAD v4.1: 1 of 1,611,786 alleles (0.000062%); no homozygotes.

Submissions (2):

PreventionGenetics, part of Exact Sciences
Classification: Uncertain significance for SCN9A-related condition. Last evaluated: 2026-04-28. Review status: criteria provided, single submitter. Criteria: ACMG Guidelines, 2015. Collection method: clinical testing. Allele origin: germline.
Comment: The SCN9A c.2359A>T variant is predicted to result in the amino acid substitution p.Met787Leu. To our knowledge, this variant has not been reported in the literature or in a large population database (gnomAD), indicating this variant is rare. At this time, the clinical significance of this variant is uncertain due to the absence of conclusive functional and genetic evidence.

Labcorp Genetics (formerly Invitae), Labcorp
Classification: Uncertain significance for Neuropathy, hereditary sensory and autonomic, type 2A; Generalized epilepsy with febrile seizures plus, type 7. Last evaluated: 2025-02-24. Review status: criteria provided, single submitter. Criteria: Invitae Variant Classification Sherloc (09022015). Collection method: clinical testing. Allele origin: germline.
Comment: This sequence change replaces methionine, which is neutral and non-polar, with leucine, which is neutral and non-polar, at codon 787 of the SCN9A protein (p.Met787Leu). This variant is not present in population databases (gnomAD no frequency). This variant has not been reported in the literature in individuals affected with SCN9A-related conditions. ClinVar contains an entry for this variant (Variation ID: 2062983). Invitae Evidence Modeling of protein sequence and biophysical properties (such as structural, functional, and spatial information, amino acid conservation, physicochemical variation, residue mobility, and thermodynamic stability) indicates that this missense variant is not expected to disrupt SCN9A protein function with a negative predictive value of 95%. In summary, the available evidence is currently insufficient to determine the role of this variant in disease. Therefore, it has been classified as a Variant of Uncertain Significance.

NM_001365536.1(SCN9A):c.2392A>T (p.Met798Leu)

Genes: SCN1A-AS1 (SCN1A and SCN9A antisense RNA 1; plus strand), SCN9A (sodium voltage-gated channel alpha subunit 9; minus strand). Cytogenetic location: 2q24.3.
Variant type: single nucleotide variant.
Coding change: c.2392A>T on transcript NM_001365536.1 (MANE Select); coding-DNA position 2392, A replaced by T.
Protein change: p.Met798Leu; replaces methionine 798 with leucine.
Molecular consequence: missense variant.
Genome position (GRCh38, 1-based): chr2:166,278,265, T>A on the plus strand (A>T on the coding strand, the complement: SCN9A is on the minus strand). VCF-style: chr2-166278265-T-A. GRCh37 (hg19) VCF-style: chr2-167134775-T-A.
Other names: c.2359A>T, p.Met787Leu (NM_002977.4); short protein forms M787L, M798L.
Identifiers: ClinVar variation 2062983 (VCV002062983.5), dbSNP rs149707354, ClinGen allele CA349078440.